The following is an entry in ClinVar:

NM_006493.4(CLN5):c.215C>T (p.Ala72Val)

Gene: CLN5 (CLN5 lysosomal BMP synthase; plus strand). Cytogenetic location: 13q22.3.
Variant type: single nucleotide variant.
Coding change: c.215C>T on transcript NM_006493.4 (MANE Select); coding-DNA position 215, C replaced by T.
Protein change: p.Ala72Val; replaces alanine 72 with valine.
Molecular consequence: missense variant.
Genome position (GRCh38, 1-based): chr13:76,995,104, C>T. VCF-style: chr13-76995104-C-T. GRCh37 (hg19) VCF-style: chr13-77569239-C-T.
Other names: c.215C>T, p.Ala72Val (NM_001366624.2); short protein forms A72V.
Identifiers: ClinVar variation 1371554 (VCV001371554.6), dbSNP rs2154034628, ClinGen allele CA388307805.

ClinVar aggregate classification (germline): Uncertain significance (1 of 4 stars; one submission).

Conditions:
Neuronal ceroid lipofuscinosis. Also called: Neuronal Ceroid Lipofuscinoses. Identifiers: Orphanet 216, Orphanet 79263, MedGen C0027877, MONDO:0016295. Disease mechanism: loss of function.

Submission:

Labcorp Genetics (formerly Invitae), Labcorp
Classification: Uncertain significance for Neuronal ceroid lipofuscinosis. Last evaluated: 2021-10-27. Review status: criteria provided, single submitter. Criteria: Invitae Variant Classification Sherloc (09022015). Collection method: clinical testing. Allele origin: germline.
Comment: This sequence change replaces alanine, a(n) neutral and non-polar amino acid, with valine, a(n) neutral and non-polar amino acid, at codon 121 of the CLN5 protein (p.Ala121Val). In summary, the available evidence is currently insufficient to determine the role of this variant in disease. Therefore, it has been classified as a Variant of Uncertain Significance. Algorithms developed to predict the effect of missense changes on protein structure and function (SIFT, PolyPhen-2, Align-GVGD) all suggest that this variant is likely to be disruptive. This variant has not been reported in the literature in individuals affected with CLN5-related conditions. This variant is not present in population databases (gnomAD no frequency).